The following is an entry in ClinVar:

NM_000204.5(CFI):c.837T>A (p.Asn279Lys)

Gene: CFI (complement factor I; minus strand). Cytogenetic location: 4q25.
Variant type: single nucleotide variant.
Coding change: c.837T>A on transcript NM_000204.5 (MANE Select); coding-DNA position 837, T replaced by A.
Protein change: p.Asn279Lys; replaces asparagine 279 with lysine.
Molecular consequence: missense variant. On other transcripts: non-coding transcript variant (3).
Genome position (GRCh38, 1-based): chr4:109,760,316, A>T on the plus strand (T>A on the coding strand, the complement: CFI is on the minus strand). VCF-style: chr4-109760316-A-T. GRCh37 (hg19) VCF-style: chr4-110681472-A-T.
Other names: c.837T>A, p.Asn279Lys (NM_001318057.2, NM_001331035.2, NM_001375278.1 and 5 more transcripts); c.228T>A, p.Asn76Lys (NM_001375284.1); short protein forms N279K, N76K.
Identifiers: ClinVar variation 3373558 (VCV003373558.1).
Genomic context (GRCh38, chr4:109,760,316, plus strand): 5'-AGTCTTTCAATTACCTGCACAGCCAACTTCATCTTCCCCTGTAATGCAGTCCACCTCACC[A>T]TTGCATTGATACTGGCTTGGAATGCAAACACCCGATTTGCAATGGAAGCCTTTGCCTTGG-3'
Protein context (NP_000195.3, residues 269-289): GVCIPSQYQC[Asn279Lys]GEVDCITGED

ClinVar aggregate classification (germline): Uncertain significance (1 of 4 stars; one submission).

Submission:

GeneDx
Classification: Uncertain significance. Last evaluated: 2024-03-06. Review status: criteria provided, single submitter. Criteria: GeneDx Variant Classification Process June 2021. Collection method: clinical testing. Allele origin: germline. Affected: yes.
Comment: Not observed at significant frequency in large population cohorts (gnomAD); In silico analysis supports that this missense variant has a deleterious effect on protein structure/function; In silico analysis is inconclusive as to whether the variant alters gene splicing. In the absence of RNA/functional studies, the actual effect of this sequence change is unknown.; Has not been previously published as pathogenic or benign to our knowledge